The following is an entry in ClinVar:

NM_000179.3(MSH6):c.579G>C (p.Leu193Phe)

Gene: MSH6 (mutS homolog 6; plus strand). Cytogenetic location: 2p16.3.
Variant type: single nucleotide variant.
Coding change: c.579G>C on transcript NM_000179.3 (MANE Select); coding-DNA position 579, G replaced by C.
Protein change: p.Leu193Phe; replaces leucine 193 with phenylalanine.
Molecular consequence: missense variant. On other transcripts: 5 prime UTR variant (2), non-coding transcript variant (5), intron variant (8).
Genome position (GRCh38, 1-based): chr2:47,796,015, G>C. VCF-style: chr2-47796015-G-C. GRCh37 (hg19) VCF-style: chr2-48023154-G-C.
Other names: c.-324G>C (NM_001281494.2); c.675G>C, p.Leu225Phe (NM_001406795.1, NM_001406802.1); c.579G>C, p.Leu193Phe (NM_001406796.1, NM_001406798.1, NM_001406800.1 and 5 more transcripts); c.282G>C, p.Leu94Phe (NM_001406797.1, NM_001406801.1, NM_001406805.1 and 10 more transcripts); c.54G>C, p.Leu18Phe (NM_001406799.1, NM_001406806.1, NM_001406807.1); c.501G>C, p.Leu167Phe (NM_001406804.1); c.585G>C, p.Leu195Phe (NM_001406813.1); c.-416G>C (NM_001406814.1); and 3 more; short protein forms L137F, L167F, L18F, L193F, L195F, L225F, L94F.
Identifiers: ClinVar variation 2682026 (VCV002682026.1), dbSNP rs2104237673, ClinGen allele CA346738809.

ClinVar aggregate classification (germline): Uncertain significance (1 of 4 stars; one submission).

Allele frequency attached by ClinVar (database versions not stated): gnomAD exomes below 0.00001.
gnomAD v4.1: 1 of 1,614,154 alleles (0.000062%); highest among the groups gnomAD compares: Non-Finnish European, 0.000085%; no homozygotes.

Submission:

Quest Diagnostics Nichols Institute San Juan Capistrano
Classification: Uncertain significance. Last evaluated: 2023-01-09. Review status: criteria provided, single submitter. Criteria: Quest Diagnostics criteria. Collection method: clinical testing. Allele origin: unknown.
Comment: This variant has not been reported in the published literature. It also has not been reported in large, multi-ethnic general populations. Analysis of this variant using bioinformatics tools for the prediction of the effect of amino acid changes on protein structure and function yielded predictions that this variant is benign. Based on the available information, we are unable to determine the clinical significance of this variant.